The following is an entry in ClinVar:

ClinVar aggregate classification (germline): Pathogenic (1 of 4 stars; one submission).

Conditions:
Cardiac anomalies - developmental delay - facial dysmorphism syndrome (MRFACD). Also called: MED13L Syndrome; Impaired intellectual development and distinctive facial features with or without cardiac defects. Identifiers: Orphanet 369891, MedGen C5192431, MONDO:0014773, OMIM 616789.

Submission:

Victorian Clinical Genetics Services, Murdoch Childrens Research Institute
Classification: Pathogenic for Cardiac anomalies - developmental delay - facial dysmorphism syndrome. Last evaluated: 2020-10-19. Review status: criteria provided, single submitter. Criteria: ACMG Guidelines, 2015. Collection method: clinical testing. Allele origin: germline. Inheritance: Autosomal dominant inheritance.
Comment: Based on the classification scheme VCGS_Germline_v1.3.3, this variant is classified as Pathogenic. Following criteria are met: 0102 - Loss of function is a known mechanism of disease in this gene and is associated with MED13L-related neurodevelopmental disorder. (I) 0107 - This gene is associated with autosomal dominant disease. (I) 0112 - The complex congenital heart condition associated with this gene has incomplete penetrance. (I) 0201 - Variant is predicted to cause nonsense-mediated decay (NMD) and loss of protein (premature termination codon is located at least 54 nucleotides upstream of the final exon-exon junction). (SP) 0251 - This variant is heterozygous. (I) 0301 - Variant is absent from gnomAD (both v2 and v3). (SP) 0701 - Other NMD-predicted variants comparable to the one identified in this case have very strong previous evidence for pathogenicity. Many patients with NMD-predicted variants have been reported in patients with intellectual disability and distinctive facial features with or without cardiac defect (Decipher, OMIM, ClinVar). (SP) 0807 - This variant has no previous evidence of pathogenicity. (I) 0905 - No published segregation evidence has been identified for this variant. (I) 1007 - No published functional evidence has been identified for this variant. (I) 1208 - Inheritance information for this variant is not currently available in this individual. (I) Legend: (SP) - Supporting pathogenic, (I) - Information, (SB) - Supporting benign

NM_015335.5(MED13L):c.278del (p.Asn93fs)

Gene: MED13L (mediator complex subunit 13L; minus strand). Cytogenetic location: 12q24.21.
Variant type: Deletion.
Coding change: c.278del on transcript NM_015335.5 (MANE Select); coding-DNA position 278, one base deleted (A; older notation c.278delA).
Protein change: p.Asn93fs; shifts the reading frame from asparagine 93.
Molecular consequence: frameshift variant.
Genome position (GRCh38, 1-based): chr12:116,237,500, T deleted on the plus strand (A on the coding strand, the reverse complement: MED13L is on the minus strand); the first of 2 consecutive T bases (chr12:116,237,500-116,237,501); deleting either gives the same sequence. VCF-style (leftmost placement, unchanged base first): chr12-116237499-GT-G. GRCh37 (hg19) VCF-style: chr12-116675304-GT-G.
Other names: short protein forms N93fs.
Identifiers: ClinVar variation 1805335 (VCV001805335.1), dbSNP rs2500016820, ClinGen allele CA1139532818.